The following is an entry in ClinVar:

ClinVar aggregate classification (germline): Pathogenic. Review status: criteria provided, multiple submitters, no conflicts (2 of 4 stars). 6 submissions from 6 submitters: Pathogenic (6). Last evaluated 2024-09-10.
ClinVar aggregate classification (oncogenicity): Oncogenic (1 of 4 stars; one submission).

Conditions:
Hereditary cancer-predisposing syndrome. Also called: Tumor predisposition; Neoplastic Syndromes, Hereditary; Hereditary Cancer Syndrome; Hereditary neoplastic syndrome. Identifiers: Orphanet 140162, MedGen C0027672, MeSH D009386, MONDO:0015356.
Peutz-Jeghers syndrome (PJS). Also called: Peutz-Jeghers polyposis; Periorificial lentiginosis syndrome; POLYPOSIS, HAMARTOMATOUS INTESTINAL; POLYPS-AND-SPOTS SYNDROME. Identifiers: Orphanet 2869, MedGen C0031269, MeSH D010580, MONDO:0008280, OMIM 175200.
Neoplasm. Also called: Neoplasms; Neoplasm (disease); tumor. Identifiers: MedGen C0027651, MeSH D009369, MONDO:0005070, HP:0002664.

Submissions (7):

Center for Genomic Medicine, Rigshospitalet, Copenhagen University Hospital
Classification: Oncogenic for Neoplasm. Last evaluated: 2025-03-04. Review status: criteria provided, single submitter. Criteria: ClinGen/CGC/VICC Guidelines for Oncogenicity, 2022. Collection method: clinical testing. Allele origin: somatic. Affected: yes.

Myriad Genetics, Inc.
Classification: Pathogenic for Peutz-Jeghers syndrome. Last evaluated: 2024-09-10. Review status: criteria provided, single submitter. Criteria: Myriad Autosomal Dominant, Autosomal Recessive and X-Linked Classification Criteria (2023). Collection method: clinical testing. Allele origin: unknown.
Comment: This variant is considered pathogenic. This variant creates a frameshift predicted to result in premature protein truncation.

Labcorp Genetics (formerly Invitae), Labcorp
Classification: Pathogenic for Peutz-Jeghers syndrome. Last evaluated: 2024-08-20. Review status: criteria provided, single submitter. Criteria: Invitae Variant Classification Sherloc (09022015). Collection method: clinical testing. Allele origin: germline.
Comment: This sequence change creates a premature translational stop signal (p.Leu282Alafs*3) in the STK11 gene. It is expected to result in an absent or disrupted protein product. Loss-of-function variants in STK11 are known to be pathogenic (PMID: 15188174, 16287113). The frequency data for this variant in the population databases is considered unreliable, as metrics indicate poor data quality at this position in the gnomAD database. This premature translational stop signal has been observed in individual(s) with Peutz-Jeghers syndrome (PMID: 9760200, 16287113). ClinVar contains an entry for this variant (Variation ID: 403750). For these reasons, this variant has been classified as Pathogenic.

Ambry Genetics
Classification: Pathogenic for Hereditary cancer-predisposing syndrome. Last evaluated: 2023-09-18. Review status: criteria provided, single submitter. Criteria: Ambry Variant Classification Scheme 2023. Collection method: clinical testing. Allele origin: germline.
Comment: The c.842dupC pathogenic mutation, located in coding exon 6 of the STK11 gene, results from a duplication of C at nucleotide position 842, causing a translational frameshift with a predicted alternate stop codon (p.L282Afs*3). This pathogenic mutation has been detected in numerous unrelated families with PJS (Nakagawa H et al. Hum Genet. 1998 Aug;103:168-72; Schumacher V et al. J Med Genet. 2005 May;42:428-35; Aretz S et al. Hum Mutat. 2005 Dec;26:513-9; Launonen V. Hum Mutat. 2005 Oct;26:291-7; Dai L et al. Dig Dis Sci. 2014 Aug;59:1856-61; Wu BD et al. Biomed Res Int. 2020 May;2020:9159315). This variant is considered to be rare based on population cohorts in the Genome Aggregation Database (gnomAD). In addition to the clinical data presented in the literature, this alteration is expected to result in loss of function by premature protein truncation or nonsense-mediated mRNA decay. As such, this alteration is interpreted as a disease-causing mutation.

Women's Health and Genetics/Laboratory Corporation of America, LabCorp
Classification: Pathogenic for Peutz-Jeghers syndrome. Last evaluated: 2021-09-30. Review status: criteria provided, single submitter. Criteria: LabCorp Variant Classification Summary - May 2015. Collection method: clinical testing. Allele origin: germline.
Comment: Variant summary: STK11 c.842dupC (p.Leu282AlafsX3) results in a premature termination codon, predicted to cause a truncation of the encoded protein or absence of the protein due to nonsense mediated decay, which are commonly known mechanisms for disease. Truncations downstream of this position have been associated with Peutz-Jeghers Syndrome in HGMD. The variant allele was found at a frequency of 4.1e-06 in 241672 control chromosomes. c.842dupC has been reported in the literature in individuals affected with Peutz-Jeghers Syndrome (example, Nakagawa_1998, and Aretz_2005). Two clinical diagnostic laboratories have submitted clinical-significance assessments for this variant to ClinVar after 2014 without evidence for independent evaluation. All laboratories classified the variant as pathogenic. Based on the evidence outlined above, the variant was classified as pathogenic.

Genome-Nilou Lab
Classification: Pathogenic for Peutz-Jeghers syndrome. Last evaluated: 2021-07-15. Review status: criteria provided, single submitter. Criteria: ACMG Guidelines, 2015. Collection method: clinical testing. Allele origin: germline. Affected: no.

GeneDx
Classification: Pathogenic. Last evaluated: 2020-03-23. Review status: criteria provided, single submitter. Criteria: GeneDx Variant Classification Process June 2021. Collection method: clinical testing. Allele origin: germline. Affected: yes.
Comment: Frameshift variant predicted to result in protein truncation or nonsense mediated decay in a gene for which loss-of-function is a known mechanism of disease; Not observed at a significant frequency in large population cohorts (Lek et al., 2016); This variant is associated with the following publications: (PMID: 32462036, 30092773, 9760200, 30689838, 28152038)

Literature cited by the submitters: PubMed 23612973 (cited by Center for Genomic Medicine, Rigshospitalet, Copenhagen University Hospital); PubMed 15188174 (cited by Labcorp Genetics (formerly Invitae), Labcorp); PubMed 16287113 (cited by 3 submitters); PubMed 9760200 (cited by 3 submitters); PubMed 15863673 (cited by Ambry Genetics); PubMed 16110486 (cited by Ambry Genetics); PubMed 24604241 (cited by Ambry Genetics); PubMed 32462036 (cited by Ambry Genetics).

NM_000455.5(STK11):c.842dup (p.Leu282fs)

Gene: STK11 (serine/threonine kinase 11; plus strand). Cytogenetic location: 19p13.3.
Variant type: Duplication.
Coding change: c.842dup on transcript NM_000455.5 (MANE Select); coding-DNA position 842, one base duplicated (C; older notation c.842dupC).
Protein change: p.Leu282fs; shifts the reading frame from leucine 282.
Molecular consequence: frameshift variant.
Genome position (GRCh38, 1-based): chr19:1,221,320, C duplicated; the last of 6 consecutive C bases (chr19:1,221,315-1,221,320); duplicating any one gives the same sequence. VCF-style (leftmost placement, unchanged base first): chr19-1221314-G-GC. GRCh37 (hg19) VCF-style: chr19-1221313-G-GC.
Other names: c.842dupC (NM_000455.5, NM_000455.4); short protein forms L282fs.
Identifiers: ClinVar variation 403750 (VCV000403750.22), dbSNP rs121913321, ClinGen allele CA16616021.